The following is an entry in ClinVar:

NM_022765.4(MICAL1):c.2110C>T (p.Leu704Phe)

Gene: MICAL1 (microtubule associated monooxygenase, calponin and LIM domain containing 1; minus strand). Cytogenetic location: 6q21.
Variant type: single nucleotide variant.
Coding change: c.2110C>T on transcript NM_022765.4 (MANE Select); coding-DNA position 2110, C replaced by T.
Protein change: p.Leu704Phe; replaces leucine 704 with phenylalanine.
Molecular consequence: missense variant.
Genome position (GRCh38, 1-based): chr6:109,447,190, G>A on the plus strand (C>T on the coding strand, the complement: MICAL1 is on the minus strand). VCF-style: chr6-109447190-G-A. GRCh37 (hg19) VCF-style: chr6-109768393-G-A.
Other names: c.1852C>T, p.Leu618Phe (NM_001159291.2); c.2167C>T, p.Leu723Phe (NM_001286613.2); c.2110C>T (NM_022765.3); short protein forms L618F, L704F, L723F.
Identifiers: ClinVar variation 2859255 (VCV002859255.4), dbSNP rs2482780025, ClinGen allele CA365225753.

ClinVar aggregate classification (germline): Uncertain significance. Review status: criteria provided, multiple submitters, no conflicts (2 of 4 stars). 2 submissions from 2 submitters: Uncertain significance (2). Last evaluated 2024-03-28.

Submissions (2):

Ambry Genetics
Classification: Uncertain significance. Last evaluated: 2024-03-28. Review status: criteria provided, single submitter. Criteria: Ambry Variant Classification Scheme 2023. Collection method: clinical testing. Allele origin: germline.

Labcorp Genetics (formerly Invitae), Labcorp
Classification: Uncertain significance. Last evaluated: 2023-11-27. Review status: criteria provided, single submitter. Criteria: Invitae Variant Classification Sherloc (09022015). Collection method: clinical testing. Allele origin: germline.
Comment: This sequence change replaces leucine, which is neutral and non-polar, with phenylalanine, which is neutral and non-polar, at codon 723 of the MICAL1 protein (p.Leu723Phe). This variant is not present in population databases (gnomAD no frequency). This variant has not been reported in the literature in individuals affected with MICAL1-related conditions. An algorithm developed to predict the effect of missense changes on protein structure and function (PolyPhen-2) suggests that this variant is likely to be disruptive. In summary, the available evidence is currently insufficient to determine the role of this variant in disease. Therefore, it has been classified as a Variant of Uncertain Significance.